The following is an entry in ClinVar:

NM_001378030.1(CCDC78):c.562G>T (p.Ala188Ser)

Gene: CCDC78 (coiled-coil domain containing 78; minus strand). Cytogenetic location: 16p13.3.
Variant type: single nucleotide variant.
Coding change: c.562G>T on transcript NM_001378030.1 (MANE Select); coding-DNA position 562, G replaced by T.
Protein change: p.Ala188Ser; replaces alanine 188 with serine.
Molecular consequence: missense variant. On other transcripts: non-coding transcript variant (5), intron variant (1).
Genome position (GRCh38, 1-based): chr16:724,988, C>A on the plus strand (G>T on the coding strand, the complement: CCDC78 is on the minus strand). VCF-style: chr16-724988-C-A. GRCh37 (hg19) VCF-style: chr16-774988-C-A.
Other names: c.562G>T, p.Ala188Ser (NM_001031737.3, NM_001378031.1); c.198+90G>T (NM_001378033.1); short protein forms A188S.
Identifiers: ClinVar variation 4221554 (VCV004221554.2).

ClinVar aggregate classification (germline): Uncertain significance. Review status: criteria provided, multiple submitters, no conflicts (2 of 4 stars). 2 submissions from 2 submitters: Uncertain significance (2). Last evaluated 2025-08-23.

Conditions:
Congenital myopathy with internal nuclei and atypical cores. Also called: Myopathy, centronuclear, 4. Identifiers: Orphanet 319160, MedGen C4707232, MONDO:0013890, OMIM 614807.
Inborn genetic diseases. Identifiers: MedGen C0950123, MeSH D030342.

Submissions (2):

Ambry Genetics
Classification: Uncertain significance for Inborn genetic diseases. Last evaluated: 2025-08-23. Review status: criteria provided, single submitter. Criteria: Ambry Variant Classification Scheme 2023. Collection method: clinical testing. Allele origin: germline.

Labcorp Genetics (formerly Invitae), Labcorp
Classification: Uncertain significance for Congenital myopathy with internal nuclei and atypical cores. Last evaluated: 2025-07-04. Review status: criteria provided, single submitter. Criteria: Invitae Variant Classification Sherloc (09022015). Collection method: clinical testing. Allele origin: germline.
Comment: This sequence change replaces alanine, which is neutral and non-polar, with serine, which is neutral and polar, at codon 188 of the CCDC78 protein (p.Ala188Ser). This variant is not present in population databases (gnomAD no frequency). This variant has not been reported in the literature in individuals affected with CCDC78-related conditions. An algorithm developed to predict the effect of missense changes on protein structure and function (PolyPhen-2) suggests that this variant is likely to be tolerated. In summary, the available evidence is currently insufficient to determine the role of this variant in disease. Therefore, it has been classified as a Variant of Uncertain Significance.